The following is an entry in ClinVar:

ClinVar aggregate classification (germline): Benign/Likely benign. Review status: criteria provided, multiple submitters, no conflicts (2 of 4 stars). 4 submissions from 4 submitters: Benign (1); Likely benign (3). Last evaluated 2026-01-06.

Conditions:
X-linked dystonia-parkinsonism (DYT3). Also called: DYT-TAF1; TORSION DYSTONIA-PARKINSONISM, FILIPINO TYPE; Lubag. Identifiers: Orphanet 53351, MedGen C1839130, MONDO:0010747, OMIM 314250.
Intellectual developmental disorder, X-linked, syndromic 33. Also called: X-linked intellectual disability-global development delay-facial dysmorphism-sacral caudal remnant syndrome; Intellectual disability, X-linked, syndromic 33. Identifiers: Orphanet 480907, MedGen C4225418, MONDO:0010500, OMIM 300966.

Allele frequency attached by ClinVar (database versions not stated): gnomAD 0.00009 and 0.00010; 1000 Genomes Project 30x 0.00021; 1000 Genomes Project 0.00026; gnomAD exomes 0.00006 and 0.00008; TOPMed 0.00009; ExAC 0.00010.
gnomAD v4.1: 87 of 1,209,560 alleles (0.0072%); highest among the groups gnomAD compares: Middle Eastern, 0.46%; no homozygotes.

Submissions (4):

Labcorp Genetics (formerly Invitae), Labcorp
Classification: Benign. Last evaluated: 2026-01-06. Review status: criteria provided, single submitter. Criteria: Invitae Variant Classification Sherloc (09022015). Collection method: clinical testing. Allele origin: germline.

Blueprint Genetics
Classification: Likely benign. Last evaluated: 2024-06-13. Review status: criteria provided, single submitter. Criteria: ACMG Guidelines, 2015. Collection method: clinical testing. Allele origin: germline.

CeGaT Center for Human Genetics Tuebingen
Classification: Likely benign. Last evaluated: 2023-03-01. Review status: criteria provided, single submitter. Criteria: CeGaT Center For Human Genetics Tuebingen Variant Classification Criteria Version 2. Collection method: clinical testing. Allele origin: germline. Affected: yes. Observed: 4 variant alleles.
Comment: TAF1: BP4, BP7, BS2

Fulgent Genetics
Classification: Likely benign for Intellectual developmental disorder, X-linked, syndromic 33; X-linked dystonia-parkinsonism. Last evaluated: 2021-09-09. Review status: criteria provided, single submitter. Criteria: ACMG Guidelines, 2015. Collection method: clinical testing. Allele origin: unknown.

NM_004606.5(TAF1):c.4155G>A (p.Thr1385=)

Gene: TAF1 (TATA-box binding protein associated factor 1; plus strand). Cytogenetic location: Xq13.1.
Variant type: single nucleotide variant.
Coding change: c.4155G>A on transcript NM_004606.5 (MANE Select); coding-DNA position 4155, G replaced by A.
Protein change: p.Thr1385=; no amino-acid change (threonine 1385 retained).
Molecular consequence: synonymous variant. On other transcripts: non-coding transcript variant (9).
Genome position (GRCh38, 1-based): chrX:71,407,621, G>A. VCF-style: chrX-71407621-G-A. GRCh37 (hg19) VCF-style: chrX-70627471-G-A.
Other names: c.4155G>A, p.Thr1385= (NM_001286074.2); c.4092G>A, p.Thr1364= (NM_138923.4).
Identifiers: ClinVar variation 700214 (VCV000700214.46), dbSNP rs202158967, ClinGen allele CA10447117.